The following is an entry in ClinVar:

NM_014639.4(SKIC3):c.2396A>G (p.Asn799Ser)

Gene: SKIC3 (SKI3 subunit of superkiller complex; minus strand). Cytogenetic location: 5q15.
Variant type: single nucleotide variant.
Coding change: c.2396A>G on transcript NM_014639.4 (MANE Select); coding-DNA position 2396, A replaced by G.
Protein change: p.Asn799Ser; replaces asparagine 799 with serine.
Molecular consequence: missense variant.
Genome position (GRCh38, 1-based): chr5:95,516,956, T>C on the plus strand (A>G on the coding strand, the complement: SKIC3 is on the minus strand). VCF-style: chr5-95516956-T-C. GRCh37 (hg19) VCF-style: chr5-94852660-T-C.
Other names: c.2396A>G (NM_014639.3); short protein forms N799S.
Identifiers: ClinVar variation 1470808 (VCV001470808.4), dbSNP rs746823692, ClinGen allele CA3347095.
Genomic context (GRCh38, chr5:95,516,956, plus strand): 5'-AAAATTTATTTATACCATACATGTAAAGATTTCTCCAGCAACTCCTTAAGATCATTCATG[T>C]TGCTGCCTGTTTCTGCTAGATGTTGTGCTTGGCGATAATAATTAATTCCAAGGTCACACC-3'
Protein context (NP_055454.1, residues 789-809): QAQHLAETGS[Asn799Ser]MNDLKELLEK

ClinVar aggregate classification (germline): Uncertain significance. Review status: criteria provided, multiple submitters, no conflicts (2 of 4 stars). 2 submissions from 2 submitters: Uncertain significance (2). Last evaluated 2022-12-28.

Conditions:
Inborn genetic diseases. Identifiers: MedGen C0950123, MeSH D030342.

Allele frequency attached by ClinVar (database versions not stated): gnomAD exomes 0.00002 and 0.00004; TOPMed 0.00002; gnomAD 0.00005; ExAC 0.00007.
gnomAD v4.1: 42 of 1,612,276 alleles (0.0026%); highest among the groups gnomAD compares: Middle Eastern, 0.033%; no homozygotes.

Submissions (2):

Ambry Genetics
Classification: Uncertain significance for Inborn genetic diseases. Last evaluated: 2022-12-28. Review status: criteria provided, single submitter. Criteria: Ambry Variant Classification Scheme 2023. Collection method: clinical testing. Allele origin: germline.

Labcorp Genetics (formerly Invitae), Labcorp
Classification: Uncertain significance. Last evaluated: 2021-12-12. Review status: criteria provided, single submitter. Criteria: Invitae Variant Classification Sherloc (09022015). Collection method: clinical testing. Allele origin: germline.
Comment: This sequence change replaces asparagine, which is neutral and polar, with serine, which is neutral and polar, at codon 799 of the TTC37 protein (p.Asn799Ser). This variant is present in population databases (rs746823692, gnomAD 0.01%). This variant has not been reported in the literature in individuals affected with TTC37-related conditions. Algorithms developed to predict the effect of missense changes on protein structure and function output the following: SIFT: "Tolerated"; PolyPhen-2: "Benign"; Align-GVGD: "Class C0". The serine amino acid residue is found in multiple mammalian species, which suggests that this missense change does not adversely affect protein function. In summary, the available evidence is currently insufficient to determine the role of this variant in disease. Therefore, it has been classified as a Variant of Uncertain Significance.